The following is an entry in ClinVar:

ClinVar aggregate classification (germline): Uncertain significance (1 of 4 stars; one submission).

gnomAD v4.1: 745 of 1,613,970 alleles (0.046%); highest among the groups gnomAD compares: Non-Finnish European, 0.058%; 3 homozygotes.

Submission:

Dasa
Classification: Uncertain significance. Last evaluated: 2026-01-03. Review status: criteria provided, single submitter. Criteria: DASA Assertion Criteria. Collection method: clinical testing. Allele origin: germline.
Comment: NM_001389.5(DSCAM):c.1903C>T (p.Arg635Trp) is a missense variant that results in the substitution of arginine with tryptophan. This variant is rare in population databases. The currently available literature and clinical evidence are not sufficient to establish a definitive association between this variant and the reported condition. Therefore, this variant is classified as a variant of uncertain significance.

NM_001389.5(DSCAM):c.1903C>T (p.Arg635Trp)

Gene: DSCAM (DS cell adhesion molecule; minus strand). Cytogenetic location: 21q22.2.
Variant type: single nucleotide variant.
Coding change: c.1903C>T on transcript NM_001389.5 (MANE Select); coding-DNA position 1903, C replaced by T.
Protein change: p.Arg635Trp; replaces arginine 635 with tryptophan.
Molecular consequence: missense variant. On other transcripts: non-coding transcript variant (1).
Genome position (GRCh38, 1-based): chr21:40,312,240, G>A on the plus strand (C>T on the coding strand, the complement: DSCAM is on the minus strand). VCF-style: chr21-40312240-G-A. GRCh37 (hg19) VCF-style: chr21-41684167-G-A.
Other names: c.1903C>T, p.Arg635Trp (NM_001271534.3); short protein forms R635W.
Identifiers: ClinVar variation 4886193 (VCV004886193.2).